The following is an entry in ClinVar:

ClinVar aggregate classification (germline): Likely benign. Review status: criteria provided, multiple submitters, no conflicts (2 of 4 stars). 3 submissions from 3 submitters: Likely benign (2). 1 of the submissions does not count toward it. Last evaluated 2025-06-10.

Conditions:
KIDINS220-related disorder. Also called: KIDINS220-related condition.

Allele frequency attached by ClinVar (database versions not stated): gnomAD 0.00001 and 0.00003; TOPMed 0.00002; ExAC 0.00003; gnomAD exomes 0.00004; 1000 Genomes Project 30x 0.00016; 1000 Genomes Project 0.00020.
gnomAD v4.1: 37 of 1,614,100 alleles (0.0023%); highest among the groups gnomAD compares: Middle Eastern, 0.016%; no homozygotes.

Submissions (3):

Labcorp Genetics (formerly Invitae), Labcorp
Classification: Likely benign. Last evaluated: 2025-06-10. Review status: criteria provided, single submitter. Criteria: Invitae Variant Classification Sherloc (09022015). Collection method: clinical testing. Allele origin: germline.

Breakthrough Genomics
Classification: Likely benign. Review status: criteria provided, single submitter. Criteria: ACMG Guidelines, 2015. Collection method: not provided. Allele origin: germline. Inheritance: Autosomal recessive inheritance. Affected: yes.

PreventionGenetics, part of Exact Sciences
Classification: Likely benign for KIDINS220-related condition. Last evaluated: 2024-05-01. Review status: no assertion criteria provided. Collection method: clinical testing. Allele origin: germline. Not counted in ClinVar's aggregate classification.
Comment: This variant is classified as likely benign based on ACMG/AMP sequence variant interpretation guidelines (Richards et al. 2015 PMID: 25741868, with internal and published modifications).

NM_020738.4(KIDINS220):c.3948C>T (p.Thr1316=)

Gene: KIDINS220 (kinase D interacting substrate 220; minus strand). Cytogenetic location: 2p25.1.
Variant type: single nucleotide variant.
Coding change: c.3948C>T on transcript NM_020738.4 (MANE Select); coding-DNA position 3948, C replaced by T.
Protein change: p.Thr1316=; no amino-acid change (threonine 1316 retained).
Molecular consequence: synonymous variant. On other transcripts: non-coding transcript variant (2).
Genome position (GRCh38, 1-based): chr2:8,733,549, G>A on the plus strand (C>T on the coding strand, the complement: KIDINS220 is on the minus strand). VCF-style: chr2-8733549-G-A. GRCh37 (hg19) VCF-style: chr2-8873679-G-A.
Other names: c.3951C>T, p.Thr1317= (NM_001348729.2); c.3894C>T, p.Thr1298= (NM_001348731.2); c.3891C>T, p.Thr1297= (NM_001348732.2, NM_001348738.2); c.3780C>T, p.Thr1260= (NM_001348734.2, NM_001348739.2, NM_001348740.2); c.3777C>T, p.Thr1259= (NM_001348735.2, NM_001348741.2, NM_001348742.2 and 1 more transcripts); c.3651C>T, p.Thr1217= (NM_001348736.2); c.3948C>T (NM_020738.2).
Identifiers: ClinVar variation 1554944 (VCV001554944.10), dbSNP rs201123761, ClinGen allele CA1519465.